The following is an entry in ClinVar:

ClinVar aggregate classification (germline): Benign. Review status: criteria provided, multiple submitters, no conflicts (2 of 4 stars). 3 submissions from 3 submitters: Benign (2). 1 of the submissions does not count toward it. Last evaluated 2024-05-15.

Conditions:
SPTBN2-related disorder. Also called: SPTBN2-related condition.

Allele frequency attached by ClinVar (database versions not stated): 1000 Genomes Project 30x 0.00016; ESP Exome Variant Server 0.00085; gnomAD exomes 0.00012 and 0.00007; ExAC 0.00017; 1000 Genomes Project 0.00020; gnomAD 0.00053 and 0.00057; TOPMed 0.00069.

Submissions (3):

Labcorp Genetics (formerly Invitae), Labcorp
Classification: Benign. Last evaluated: 2024-05-15. Review status: criteria provided, single submitter. Criteria: Invitae Variant Classification Sherloc (09022015). Collection method: clinical testing. Allele origin: germline.

Athena Diagnostics
Classification: Benign. Last evaluated: 2021-03-23. Review status: criteria provided, single submitter. Criteria: Athena Diagnostics criteria. Collection method: clinical testing. Allele origin: unknown.

PreventionGenetics, part of Exact Sciences
Classification: Likely benign for SPTBN2-related condition. Last evaluated: 2022-05-09. Review status: no assertion criteria provided. Collection method: clinical testing. Allele origin: germline. Not counted in ClinVar's aggregate classification.
Comment: This variant is classified as likely benign based on ACMG/AMP sequence variant interpretation guidelines (Richards et al. 2015 PMID: 25741868, with internal and published modifications).

NM_006946.4(SPTBN2):c.590A>G (p.Asn197Ser)

Gene: SPTBN2 (spectrin beta, non-erythrocytic 2; minus strand). Cytogenetic location: 11q13.2.
Variant type: single nucleotide variant.
Coding change: c.590A>G on transcript NM_006946.4 (MANE Select); coding-DNA position 590, A replaced by G.
Protein change: p.Asn197Ser; replaces asparagine 197 with serine.
Molecular consequence: missense variant.
Genome position (GRCh38, 1-based): chr11:66,714,157, T>C on the plus strand (A>G on the coding strand, the complement: SPTBN2 is on the minus strand). VCF-style: chr11-66714157-T-C. GRCh37 (hg19) VCF-style: chr11-66481628-T-C.
Other names: short protein forms N197S.
Identifiers: ClinVar variation 448518 (VCV000448518.9), dbSNP rs148154681, ClinGen allele CA6129624.